The following is an entry in ClinVar:

ClinVar aggregate classification (germline): Uncertain significance (1 of 4 stars; one submission).

Conditions:
Deficiency of butyryl-CoA dehydrogenase (ACADSD). Also called: SCAD DEFICIENCY, MILD; ACYL-CoA DEHYDROGENASE, SHORT-CHAIN, DEFICIENCY OF; SCADH DEFICIENCY; SCAD Deficiency; ACADS DEFICIENCY; Short-Chain Acyl-CoA Dehydrogenase Deficiency. Identifiers: Orphanet 26792, MedGen C0342783, MONDO:0008722, OMIM 201470. Disease mechanism: May be benign.

Allele frequency attached by ClinVar (database versions not stated): ExAC 0.00001; TOPMed 0.00006.

Submission:

Labcorp Genetics (formerly Invitae), Labcorp
Classification: Uncertain significance for Deficiency of butyryl-CoA dehydrogenase. Last evaluated: 2023-02-14. Review status: criteria provided, single submitter. Criteria: Invitae Variant Classification Sherloc (09022015). Collection method: clinical testing. Allele origin: germline.
Comment: This sequence change replaces arginine, which is basic and polar, with tryptophan, which is neutral and slightly polar, at codon 23 of the ACADS protein (p.Arg23Trp). This variant is present in population databases (rs770222581, gnomAD 0.02%). This missense change has been observed in individual(s) with clinical features of ACADS-related conditions (Invitae). ClinVar contains an entry for this variant (Variation ID: 529840). Advanced modeling of protein sequence and biophysical properties (such as structural, functional, and spatial information, amino acid conservation, physicochemical variation, residue mobility, and thermodynamic stability) performed at Invitae indicates that this missense variant is expected to disrupt ACADS protein function. In summary, the available evidence is currently insufficient to determine the role of this variant in disease. Therefore, it has been classified as a Variant of Uncertain Significance.

NM_000017.4(ACADS):c.67C>T (p.Arg23Trp)

Gene: ACADS (acyl-CoA dehydrogenase short chain; plus strand). Cytogenetic location: 12q24.31.
Variant type: single nucleotide variant.
Coding change: c.67C>T on transcript NM_000017.4 (MANE Select); coding-DNA position 67, C replaced by T.
Protein change: p.Arg23Trp; replaces arginine 23 with tryptophan.
Molecular consequence: missense variant.
Genome position (GRCh38, 1-based): chr12:120,727,046, C>T. VCF-style: chr12-120727046-C-T. GRCh37 (hg19) VCF-style: chr12-121164849-C-T.
Other names: c.67C>T, p.Arg23Trp (NM_001302554.2); short protein forms R23W.
Identifiers: ClinVar variation 529840 (VCV000529840.10), dbSNP rs770222581, ClinGen allele CA6830754.